The following is an entry in ClinVar:

ClinVar aggregate classification (germline): Uncertain significance. Review status: criteria provided, multiple submitters, no conflicts (2 of 4 stars). 7 submissions from 7 submitters: Uncertain significance (6). 1 of the submissions does not count toward it. Last evaluated 2025-11-24.

Conditions:
Cardiovascular phenotype. Identifiers: MedGen CN230736.
Cardiomyopathy (CMYO). Also called: Cardiomyopathies. Identifiers: Orphanet 167848, MedGen C0878544, MONDO:0004994, HP:0001638. Inheritance: Various modes of inheritance.
Hypertrophic cardiomyopathy. Also called: HYPERTROPHIC MYOCARDIOPATHY. Identifiers: Orphanet 217569, MedGen C0007194, MeSH D002312, MONDO:0005045, HP:0001639.

Allele frequency attached by ClinVar (database versions not stated): gnomAD exomes below 0.00001.
gnomAD v4.1: 1 of 1,612,508 alleles (0.000062%); no homozygotes.

Submissions (7):

Labcorp Genetics (formerly Invitae), Labcorp
Classification: Uncertain significance for Hypertrophic cardiomyopathy. Last evaluated: 2025-11-24. Review status: criteria provided, single submitter. Criteria: Invitae Variant Classification Sherloc (09022015). Collection method: clinical testing. Allele origin: germline.
Comment: This sequence change replaces valine, which is neutral and non-polar, with aspartic acid, which is acidic and polar, at codon 189 of the MYBPC3 protein (p.Val189Asp). This variant is not present in population databases (gnomAD no frequency). This missense change has been observed in individual(s) with hypertrophic cardiomyopathy (PMID: 27532257, 37652022). ClinVar contains an entry for this variant (Variation ID: 42773). An algorithm developed to predict the effect of missense changes on protein structure and function (PolyPhen-2) suggests that this variant is likely to be disruptive. In summary, the available evidence is currently insufficient to determine the role of this variant in disease. Therefore, it has been classified as a Variant of Uncertain Significance.

Color Diagnostics, LLC DBA Color Health
Classification: Uncertain significance for Cardiomyopathy. Last evaluated: 2025-06-09. Review status: criteria provided, single submitter. Criteria: ACMG Guidelines, 2015. Collection method: clinical testing. Allele origin: germline.
Comment: This missense variant replaces valine with aspartic acid at codon 189 of the MYBPC3 protein. Computational prediction suggests that this variant may have a deleterious impact on protein structure and function. To our knowledge, functional studies have not been reported for this variant. This variant has been reported in an individual affected with hypertrophic cardiomyopathy (PMID: 27532257, 37652022). This variant has been identified in 1/245332 chromosomes in the general population by the Genome Aggregation Database (gnomAD). The available evidence is insufficient to determine the role of this variant in disease conclusively. Therefore, this variant is classified as a Variant of Uncertain Significance.

All of Us Research Program, National Institutes of Health
Classification: Uncertain significance for Hypertrophic cardiomyopathy. Last evaluated: 2024-01-11. Review status: criteria provided, single submitter. Criteria: ACMG Guidelines, 2015. Collection method: clinical testing. Allele origin: germline. Inheritance: Autosomal dominant inheritance. Observed: 1 variant allele, 1 heterozygote.
Comment: This missense variant replaces valine with aspartic acid at codon 189 of the MYBPC3 protein. Computational prediction suggests that this variant may have deleterious impact on protein structure and function (internally defined REVEL score threshold >= 0.7, PMID: 27666373). To our knowledge, functional studies have not been reported for this variant. This variant has been reported in one individual affected with hypertrophic cardiomyopathy (PMID: 27532257). This variant has been identified in 1/245332 chromosomes in the general population by the Genome Aggregation Database (gnomAD). The available evidence is insufficient to determine the role of this variant in disease conclusively. Therefore, this variant is classified as a Variant of Uncertain Significance.

This study involves interpretation of variants in research participants for the purpose of population health screening. Participant phenotype was not available at the time of variant classification. Additional details can be found in publication PMID: 35346344, PMCID: PMC8962531

CHEO Genetics Diagnostic Laboratory, Children's Hospital of Eastern Ontario
Classification: Uncertain significance for Cardiomyopathy. Last evaluated: 2023-05-03. Review status: criteria provided, single submitter. Criteria: ACMG Guidelines, 2015. Collection method: clinical testing. Allele origin: germline. Study: Canadian Open Genetics Repository.

GeneDx
Classification: Uncertain significance. Last evaluated: 2022-12-22. Review status: criteria provided, single submitter. Criteria: GeneDx Variant Classification Process June 2021. Collection method: clinical testing. Allele origin: germline. Affected: yes.
Comment: Identified in an individual with hypertrophic cardiomyopathy in published literature (Walsh et al., 2017); Not observed at significant frequency in large population cohorts (gnomAD); In silico analysis supports that this missense variant has a deleterious effect on protein structure/function; This variant is associated with the following publications: (PMID: 27532257)

Ambry Genetics
Classification: Uncertain significance for Cardiovascular phenotype. Last evaluated: 2020-01-28. Review status: criteria provided, single submitter. Criteria: Ambry Variant Classification Scheme 2023. Collection method: clinical testing. Allele origin: germline.

Laboratory for Molecular Medicine, Mass General Brigham Personalized Medicine
Classification: Uncertain significance. Last evaluated: 2008-03-01. Review status: no assertion criteria provided. Collection method: clinical testing. Allele origin: germline. Observed: 2 variant alleles. Not counted in ClinVar's aggregate classification.

Literature cited by the submitters: PubMed 27532257 (cited by 3 submitters); PubMed 37652022 (cited by Labcorp Genetics (formerly Invitae), Labcorp and Color Diagnostics, LLC DBA Color Health).

NM_000256.3(MYBPC3):c.566T>A (p.Val189Asp)

Gene: MYBPC3 (myosin binding protein C3; minus strand). Cytogenetic location: 11p11.2.
Variant type: single nucleotide variant.
Coding change: c.566T>A on transcript NM_000256.3 (MANE Select); coding-DNA position 566, T replaced by A.
Protein change: p.Val189Asp; replaces valine 189 with aspartic acid.
Molecular consequence: missense variant.
Genome position (GRCh38, 1-based): chr11:47,349,862, A>T on the plus strand (T>A on the coding strand, the complement: MYBPC3 is on the minus strand). VCF-style: chr11-47349862-A-T. GRCh37 (hg19) VCF-style: chr11-47371413-A-T.
Other names: p.V189D:GTC>GAC; short protein forms V189D.
Identifiers: ClinVar variation 42773 (VCV000042773.26), dbSNP rs397516060, ClinGen allele CA015499.
Genomic context (GRCh38, chr11:47,349,862, plus strand): 5'-AGCTGCAGGTGCTGGCCCACCTTGCTGCTCAGGTCCACCCATTTGCCCTTGAACCACTTG[A>T]CCACAGGCGGCTTCAGGAGGCTGGCGCCGGCCACGCGGGCTGAGAAGGTGATGCTGCCAC-3'
Protein context (NP_000247.2, residues 179-199): AGASLLKPPV[Val189Asp]KWFKGKWVDL